The following is an entry in ClinVar:

NM_004385.5(VCAN):c.4361T>C (p.Phe1454Ser)

Genes: VCAN (versican; plus strand), VCAN-AS1 (VCAN antisense RNA 1; minus strand). Cytogenetic location: 5q14.3.
Variant type: single nucleotide variant.
Coding change: c.4361T>C on transcript NM_004385.5 (MANE Select); coding-DNA position 4361, T replaced by C.
Protein change: p.Phe1454Ser; replaces phenylalanine 1454 with serine.
Molecular consequence: missense variant. On other transcripts: intron variant (2).
Genome position (GRCh38, 1-based): chr5:83,537,364, T>C. VCF-style: chr5-83537364-T-C. GRCh37 (hg19) VCF-style: chr5-82833183-T-C.
Other names: c.1400T>C, p.Phe467Ser (NM_001164097.2); c.4004-8173T>C (NM_001164098.2); c.1043-8173T>C (NM_001126336.3); c.4361T>C (NM_004385.4); short protein forms F1454S, F467S.
Identifiers: ClinVar variation 1116298 (VCV001116298.11), dbSNP rs555389211, ClinGen allele CA3333159.

ClinVar aggregate classification (germline): Likely benign. Review status: criteria provided, multiple submitters, no conflicts (2 of 4 stars). 3 submissions from 3 submitters: Likely benign (2). 1 of the submissions does not count toward it. Last evaluated 2025-07-22.

Conditions:
VCAN-related disorder. Also called: VCAN-related condition.

Allele frequency attached by ClinVar (database versions not stated): TOPMed 0.00001; gnomAD 0.00007; gnomAD exomes 0.00010 and 0.00024; ExAC 0.00025; 1000 Genomes Project 0.00040; 1000 Genomes Project 30x 0.00047.
gnomAD v4.1: 159 of 1,613,994 alleles (0.0099%); highest among the groups gnomAD compares: South Asian, 0.16%; 1 homozygote.

Submissions (3):

Labcorp Genetics (formerly Invitae), Labcorp
Classification: Likely benign. Last evaluated: 2025-07-22. Review status: criteria provided, single submitter. Criteria: Invitae Variant Classification Sherloc (09022015). Collection method: clinical testing. Allele origin: germline.

Blueprint Genetics
Classification: Likely benign. Last evaluated: 2024-11-13. Review status: criteria provided, single submitter. Criteria: ACMG Guidelines, 2015. Collection method: clinical testing. Allele origin: germline.

PreventionGenetics, part of Exact Sciences
Classification: Likely benign for VCAN-related condition. Last evaluated: 2024-07-23. Review status: no assertion criteria provided. Collection method: clinical testing. Allele origin: germline. Not counted in ClinVar's aggregate classification.
Comment: This variant is classified as likely benign based on ACMG/AMP sequence variant interpretation guidelines (Richards et al. 2015 PMID: 25741868, with internal and published modifications).